The following is an entry in ClinVar:

NM_000404.4(GLB1):c.458-11T>C

Gene: GLB1 (galactosidase beta 1; minus strand). Cytogenetic location: 3p22.3.
Variant type: single nucleotide variant.
Coding change: c.458-11T>C on transcript NM_000404.4 (MANE Select); 11 bases into the intron before coding-DNA position 458, T replaced by C.
Molecular consequence: intron variant.
Genome position (GRCh38, 1-based): chr3:33,065,568, A>G on the plus strand (T>C on the coding strand, the complement: GLB1 is on the minus strand). VCF-style: chr3-33065568-A-G. GRCh37 (hg19) VCF-style: chr3-33107060-A-G.
Other names: c.458-11T>C (NM_001393580.1); c.246-11T>C (NM_001135602.3); c.602-11T>C (NM_001317040.2); c.368-11T>C (NM_001079811.3).
Identifiers: ClinVar variation 92909 (VCV000092909.25), dbSNP rs34204221, ClinGen allele CA146081.

ClinVar aggregate classification (germline): Benign. Review status: criteria provided, multiple submitters, no conflicts (2 of 4 stars). 13 submissions from 11 submitters: Benign (10). 3 of the submissions do not count toward it. Last evaluated 2026-02-04.

Conditions:
GM1 gangliosidosis. Identifiers: Orphanet 354, MedGen C0085131, MONDO:0018149.
Mucopolysaccharidosis, MPS-IV-B (MPS4B). Also called: Mucopolysaccharidosis type 4B; Mucopolysaccharidosis type IV B; Mucopolysaccharidosis type IVB (Morquio); Mucopolysaccharidosis Type IVB (Morquio B Disease); MPS IVB; MORQUIO SYNDROME B. Identifiers: Orphanet 309310, Orphanet 582, MedGen C0086652, MONDO:0009660, OMIM 253010.
Infantile GM1 gangliosidosis. Also called: Gangliosidosis, Generalized GM1, Type 1; GM1 gangliosidosis type 1; GM1-gangliosidosis, type I; Gangliosidosis, generalized GM1, infantile form; GLB1 deficiency. Identifiers: Orphanet 354, Orphanet 79255, MedGen C0268271, MONDO:0009260, OMIM 230500.

Allele frequency attached by ClinVar (database versions not stated): 1000 Genomes Project 0.06530; 1000 Genomes Project 30x 0.06558; gnomAD exomes 0.08724 and 0.11073; TOPMed 0.09676; gnomAD 0.10291 and 0.10591; ESP Exome Variant Server 0.10410; ExAC 0.10895.
gnomAD v4.1: 171,371 of 1,562,346 alleles (11%); highest among the groups gnomAD compares: Non-Finnish European, 12%; 10,018 homozygotes.

Submissions (37):

Labcorp Genetics (formerly Invitae), Labcorp
Classification: Benign for Mucopolysaccharidosis, MPS-IV-B; GM1 gangliosidosis. Last evaluated: 2026-02-04. Review status: criteria provided, single submitter. Criteria: Invitae Variant Classification Sherloc (09022015). Collection method: clinical testing. Allele origin: germline.

Blueprint Genetics
Classification: Benign. Last evaluated: 2024-11-26. Review status: criteria provided, single submitter. Criteria: ACMG Guidelines, 2015. Collection method: clinical testing. Allele origin: germline.

Pars Genome Lab
Classification: Benign for Infantile GM1 gangliosidosis. Last evaluated: 2021-06-15. Review status: criteria provided, single submitter. Criteria: ACMG Guidelines, 2015. Collection method: clinical testing. Allele origin: germline. Affected: no.

Pars Genome Lab
Classification: Benign for Mucopolysaccharidosis, MPS-IV-B. Last evaluated: 2021-06-15. Review status: criteria provided, single submitter. Criteria: ACMG Guidelines, 2015. Collection method: clinical testing. Allele origin: germline. Affected: no.

Illumina Laboratory Services, Illumina
Classification: Benign for Mucopolysaccharidosis, MPS-IV-B. Last evaluated: 2018-01-12. Review status: criteria provided, single submitter. Criteria: ICSL Variant Classification Criteria 13 December 2019. Collection method: clinical testing. Allele origin: germline.
Comment: This variant was observed in the ICSL laboratory as part of a predisposition screen in an ostensibly healthy population. It had not been previously curated by ICSL or reported in the Human Gene Mutation Database (HGMD: prior to June 1st, 2018), and was therefore a candidate for classification through an automated scoring system. Utilizing variant allele frequency, disease prevalence and penetrance estimates, and inheritance mode, an automated score was calculated to assess if this variant is too frequent to cause the disease. Based on the score and internal cut-off values, a variant classified as benign is not then subjected to further curation. The score for this variant resulted in a classification of benign for this disease.

Illumina Laboratory Services, Illumina
Classification: Benign for GM1 gangliosidosis. Last evaluated: 2018-01-12. Review status: criteria provided, single submitter. Criteria: ICSL Variant Classification Criteria 13 December 2019. Collection method: clinical testing. Allele origin: germline.
Comment: the same text as in the submission from Illumina Laboratory Services, Illumina above.

GeneDx
Classification: Benign. Last evaluated: 2016-09-20. Review status: criteria provided, single submitter. Criteria: GeneDx Variant Classification (06012015). Collection method: clinical testing. Allele origin: germline. Affected: yes.
Comment: This variant is considered likely benign or benign based on one or more of the following criteria: it is a conservative change, it occurs at a poorly conserved position in the protein, it is predicted to be benign by multiple in silico algorithms, and/or has population frequency not consistent with disease.

Eurofins Ntd Llc (ga)
Classification: Benign. Last evaluated: 2013-02-18. Review status: criteria provided, single submitter. Criteria: EGL Classification Definitions 2015. Collection method: clinical testing. Allele origin: germline. Observed: 7 variant alleles, 6 heterozygotes, 1 homozygote.

Breakthrough Genomics
Classification: Benign. Review status: criteria provided, single submitter. Criteria: ACMG Guidelines, 2015. Collection method: not provided. Allele origin: germline. Inheritance: Autosomal recessive inheritance. Affected: yes.

PreventionGenetics, part of Exact Sciences
Classification: Benign. Review status: criteria provided, single submitter. Criteria: ACMG Guidelines, 2015. Collection method: clinical testing. Allele origin: germline.

Mayo Clinic Laboratories, Mayo Clinic
Classification: Benign. Last evaluated: 2015-12-16. Review status: no assertion criteria provided. Collection method: clinical testing. Allele origin: unknown. Not counted in ClinVar's aggregate classification.

Clinical Genetics DNA and cytogenetics Diagnostics Lab, Erasmus MC, Erasmus Medical Center
Classification: Benign. Review status: no assertion criteria provided. Collection method: clinical testing. Allele origin: germline. Affected: yes. Study: VKGL Data-share Consensus. Not counted in ClinVar's aggregate classification.

Dr. Peter K. Rogan Lab, Western University
No classification provided (evidence only). Condition: Familial cancer of breast. Review status: no classification provided. Collection method: in vitro. Allele origin: not applicable. Functional consequence: retained intron. Not counted in ClinVar's aggregate classification.

Dr. Peter K. Rogan Lab, Western University
No classification provided (evidence only). Condition: Thymoma. Review status: no classification provided. Collection method: in vitro. Allele origin: not applicable. Functional consequence: retained intron. Not counted in ClinVar's aggregate classification.

Dr. Peter K. Rogan Lab, Western University
No classification provided (evidence only). Condition: Thymoma. Review status: no classification provided. Collection method: in vitro. Allele origin: not applicable. Functional consequence: retained intron. Not counted in ClinVar's aggregate classification.

Dr. Peter K. Rogan Lab, Western University
No classification provided (evidence only). Condition: Gastric cancer. Review status: no classification provided. Collection method: in vitro. Allele origin: not applicable. Functional consequence: retained intron. Not counted in ClinVar's aggregate classification.

Dr. Peter K. Rogan Lab, Western University
No classification provided (evidence only). Condition: Gastric cancer. Review status: no classification provided. Collection method: in vitro. Allele origin: not applicable. Functional consequence: retained intron. Not counted in ClinVar's aggregate classification.

Dr. Peter K. Rogan Lab, Western University
No classification provided (evidence only). Condition: Chronic lymphocytic leukemia/small lymphocytic lymphoma. Review status: no classification provided. Collection method: in vitro. Allele origin: not applicable. Functional consequence: retained intron. Not counted in ClinVar's aggregate classification.

Dr. Peter K. Rogan Lab, Western University
No classification provided (evidence only). Condition: Chronic lymphocytic leukemia/small lymphocytic lymphoma. Review status: no classification provided. Collection method: in vitro. Allele origin: not applicable. Functional consequence: retained intron. Not counted in ClinVar's aggregate classification.

Dr. Peter K. Rogan Lab, Western University
No classification provided (evidence only). Condition: Chronic lymphocytic leukemia/small lymphocytic lymphoma. Review status: no classification provided. Collection method: in vitro. Allele origin: not applicable. Functional consequence: retained intron. Not counted in ClinVar's aggregate classification.

Dr. Peter K. Rogan Lab, Western University
No classification provided (evidence only). Condition: Chronic lymphocytic leukemia/small lymphocytic lymphoma. Review status: no classification provided. Collection method: in vitro. Allele origin: not applicable. Functional consequence: retained intron. Not counted in ClinVar's aggregate classification.

Dr. Peter K. Rogan Lab, Western University
No classification provided (evidence only). Condition: Chronic lymphocytic leukemia/small lymphocytic lymphoma. Review status: no classification provided. Collection method: in vitro. Allele origin: not applicable. Functional consequence: retained intron. Not counted in ClinVar's aggregate classification.

Dr. Peter K. Rogan Lab, Western University
No classification provided (evidence only). Condition: Chronic lymphocytic leukemia/small lymphocytic lymphoma. Review status: no classification provided. Collection method: in vitro. Allele origin: not applicable. Functional consequence: retained intron. Not counted in ClinVar's aggregate classification.

Dr. Peter K. Rogan Lab, Western University
No classification provided (evidence only). Condition: Chronic lymphocytic leukemia/small lymphocytic lymphoma. Review status: no classification provided. Collection method: in vitro. Allele origin: not applicable. Functional consequence: skipped exon, retained intron. Not counted in ClinVar's aggregate classification.

Dr. Peter K. Rogan Lab, Western University
No classification provided (evidence only). Condition: Nonpapillary renal cell carcinoma. Review status: no classification provided. Collection method: in vitro. Allele origin: not applicable. Functional consequence: retained intron. Not counted in ClinVar's aggregate classification.

Dr. Peter K. Rogan Lab, Western University
No classification provided (evidence only). Condition: Nonpapillary renal cell carcinoma. Review status: no classification provided. Collection method: in vitro. Allele origin: not applicable. Functional consequence: skipped exon, retained intron. Not counted in ClinVar's aggregate classification.

Dr. Peter K. Rogan Lab, Western University
No classification provided (evidence only). Condition: Nonpapillary renal cell carcinoma. Review status: no classification provided. Collection method: in vitro. Allele origin: not applicable. Functional consequence: skipped exon. Not counted in ClinVar's aggregate classification.

Dr. Peter K. Rogan Lab, Western University
No classification provided (evidence only). Condition: Familial pancreatic carcinoma. Review status: no classification provided. Collection method: in vitro. Allele origin: not applicable. Functional consequence: retained intron. Not counted in ClinVar's aggregate classification.

Dr. Peter K. Rogan Lab, Western University
No classification provided (evidence only). Condition: Familial pancreatic carcinoma. Review status: no classification provided. Collection method: in vitro. Allele origin: not applicable. Functional consequence: retained intron. Not counted in ClinVar's aggregate classification.

Dr. Peter K. Rogan Lab, Western University
No classification provided (evidence only). Condition: Familial pancreatic carcinoma. Review status: no classification provided. Collection method: in vitro. Allele origin: not applicable. Functional consequence: skipped exon. Not counted in ClinVar's aggregate classification.

Dr. Peter K. Rogan Lab, Western University
No classification provided (evidence only). Condition: Familial pancreatic carcinoma. Review status: no classification provided. Collection method: in vitro. Allele origin: not applicable. Functional consequence: retained intron. Not counted in ClinVar's aggregate classification.

Dr. Peter K. Rogan Lab, Western University
No classification provided (evidence only). Condition: Familial pancreatic carcinoma. Review status: no classification provided. Collection method: in vitro. Allele origin: not applicable. Functional consequence: skipped exon. Not counted in ClinVar's aggregate classification.

Dr. Peter K. Rogan Lab, Western University
No classification provided (evidence only). Condition: Familial pancreatic carcinoma. Review status: no classification provided. Collection method: in vitro. Allele origin: not applicable. Functional consequence: skipped exon. Not counted in ClinVar's aggregate classification.

Dr. Peter K. Rogan Lab, Western University
No classification provided (evidence only). Condition: Familial pancreatic carcinoma. Review status: no classification provided. Collection method: in vitro. Allele origin: not applicable. Functional consequence: skipped exon. Not counted in ClinVar's aggregate classification.

Dr. Peter K. Rogan Lab, Western University
No classification provided (evidence only). Condition: Ovarian cancer. Review status: no classification provided. Collection method: in vitro. Allele origin: not applicable. Functional consequence: skipped exon, retained intron. Not counted in ClinVar's aggregate classification.

Dr. Peter K. Rogan Lab, Western University
No classification provided (evidence only). Condition: Ovarian cancer. Review status: no classification provided. Collection method: in vitro. Allele origin: not applicable. Functional consequence: retained intron. Not counted in ClinVar's aggregate classification.

Joint Genome Diagnostic Labs from Nijmegen and Maastricht, Radboudumc and MUMC+
Classification: Benign. Review status: no assertion criteria provided. Collection method: clinical testing. Allele origin: germline. Affected: yes. Study: VKGL Data-share Consensus. Not counted in ClinVar's aggregate classification.